The following is an entry in ClinVar:

ClinVar aggregate classification (germline): Uncertain significance. Review status: criteria provided, multiple submitters, no conflicts (2 of 4 stars). 3 submissions from 3 submitters: Uncertain significance (3). Last evaluated 2025-08-26.

Conditions:
Inborn genetic diseases. Identifiers: MedGen C0950123, MeSH D030342.

Allele frequency attached by ClinVar (database versions not stated): ExAC 0.00001; TOPMed 0.00001.
gnomAD v4.1: 4 of 1,614,034 alleles (0.00025%); highest among the groups gnomAD compares: Non-Finnish European, 0.00034%; no homozygotes.

Submissions (3):

Ambry Genetics
Classification: Uncertain significance for Inborn genetic diseases. Last evaluated: 2025-08-26. Review status: criteria provided, single submitter. Criteria: Ambry Variant Classification Scheme 2023. Collection method: clinical testing. Allele origin: germline.

Labcorp Genetics (formerly Invitae), Labcorp
Classification: Uncertain significance. Last evaluated: 2023-11-27. Review status: criteria provided, single submitter. Criteria: Invitae Variant Classification Sherloc (09022015). Collection method: clinical testing. Allele origin: germline.
Comment: This sequence change replaces phenylalanine, which is neutral and non-polar, with leucine, which is neutral and non-polar, at codon 189 of the CLRN1 protein (p.Phe189Leu). This variant is present in population databases (rs762126222, gnomAD 0.0009%). This variant has not been reported in the literature in individuals affected with CLRN1-related conditions. ClinVar contains an entry for this variant (Variation ID: 2153460). An algorithm developed to predict the effect of missense changes on protein structure and function (PolyPhen-2) suggests that this variant is likely to be disruptive. In summary, the available evidence is currently insufficient to determine the role of this variant in disease. Therefore, it has been classified as a Variant of Uncertain Significance.

Blueprint Genetics
Classification: Uncertain significance. Last evaluated: 2019-08-20. Review status: criteria provided, single submitter. Criteria: ACMG Guidelines, 2015. Collection method: clinical testing. Allele origin: germline.

NM_174878.3(CLRN1):c.567C>G (p.Phe189Leu)

Gene: CLRN1 (clarin 1; minus strand). Cytogenetic location: 3q25.1.
Variant type: single nucleotide variant.
Coding change: c.567C>G on transcript NM_174878.3 (MANE Select); coding-DNA position 567, C replaced by G.
Protein change: p.Phe189Leu; replaces phenylalanine 189 with leucine.
Molecular consequence: missense variant. On other transcripts: 3 prime UTR variant (1), non-coding transcript variant (1).
Genome position (GRCh38, 1-based): chr3:150,928,068, G>C on the plus strand (C>G on the coding strand, the complement: CLRN1 is on the minus strand). VCF-style: chr3-150928068-G-C. GRCh37 (hg19) VCF-style: chr3-150645855-G-C.
Other names: c.606C>G, p.Phe202Leu (NM_001195794.1); c.*181C>G (NM_001256819.2); c.339C>G, p.Phe113Leu (NM_052995.2); c.567C>G (NM_174878.2); short protein forms F113L, F189L, F202L.
Identifiers: ClinVar variation 2153460 (VCV002153460.6), dbSNP rs762126222, ClinGen allele CA2666012.